The following is an entry in ClinVar:

NM_001261826.3(AP3D1):c.209A>G (p.Tyr70Cys)

Gene: AP3D1 (adaptor related protein complex 3 subunit delta 1; minus strand). Cytogenetic location: 19p13.3.
Variant type: single nucleotide variant.
Coding change: c.209A>G on transcript NM_001261826.3 (MANE Select); coding-DNA position 209, A replaced by G.
Protein change: p.Tyr70Cys; replaces tyrosine 70 with cysteine.
Molecular consequence: missense variant.
Genome position (GRCh38, 1-based): chr19:2,137,791, T>C on the plus strand (A>G on the coding strand, the complement: AP3D1 is on the minus strand). VCF-style: chr19-2137791-T-C. GRCh37 (hg19) VCF-style: chr19-2137790-T-C.
Other names: c.209A>G, p.Tyr70Cys (NM_001374799.1, NM_003938.8); short protein forms Y70C.
Identifiers: ClinVar variation 3626321 (VCV003626321.2).
Genomic context (GRCh38, chr19:2,137,791, plus strand): 5'-AAGGTGAACTTGGAGGCACTCATCACTTCTATGATGTTGAAGGCGGCCCAGCTGATGTCG[T>C]ATCCCAACATCTGTAACTGTTAAGGGACGCACAGGAAATTGCACTCACAAGCCAAAGCAG-3'
Protein context (NP_001248755.1, residues 60-80): CKLTYLQMLG[Tyr70Cys]DISWAAFNII

ClinVar aggregate classification (germline): Uncertain significance (1 of 4 stars; one submission).

Submission:

Labcorp Genetics (formerly Invitae), Labcorp
Classification: Uncertain significance. Last evaluated: 2025-12-23. Review status: criteria provided, single submitter. Criteria: Invitae Variant Classification Sherloc (09022015). Collection method: clinical testing. Allele origin: germline.
Comment: This sequence change replaces tyrosine, which is neutral and polar, with cysteine, which is neutral and slightly polar, at codon 70 of the AP3D1 protein (p.Tyr70Cys). This variant is not present in population databases (gnomAD no frequency). This variant has not been reported in the literature in individuals affected with AP3D1-related conditions. ClinVar contains an entry for this variant (Variation ID: 3626321). An algorithm developed to predict the effect of missense changes on protein structure and function (PolyPhen-2) suggests that this variant is likely to be disruptive. In summary, the available evidence is currently insufficient to determine the role of this variant in disease. Therefore, it has been classified as a Variant of Uncertain Significance.